The following is an entry in ClinVar:

NM_014915.3(ANKRD26):c.4651G>A (p.Glu1551Lys)

Gene: ANKRD26 (ankyrin repeat domain 26; minus strand). Cytogenetic location: 10p12.1.
Variant type: single nucleotide variant.
Coding change: c.4651G>A on transcript NM_014915.3 (MANE Select); coding-DNA position 4651, G replaced by A.
Protein change: p.Glu1551Lys; replaces glutamic acid 1551 with lysine.
Molecular consequence: missense variant.
Genome position (GRCh38, 1-based): chr10:27,014,567, C>T on the plus strand (G>A on the coding strand, the complement: ANKRD26 is on the minus strand). VCF-style: chr10-27014567-C-T. GRCh37 (hg19) VCF-style: chr10-27303496-C-T.
Other names: c.4648G>A, p.Glu1550Lys (NM_001256053.2); short protein forms E1550K, E1551K.
Identifiers: ClinVar variation 2359844 (VCV002359844.12), dbSNP rs373586187, ClinGen allele CA5447751.

ClinVar aggregate classification (germline): Conflicting classifications of pathogenicity. Review status: criteria provided, conflicting classifications (1 of 4 stars). 5 submissions from 5 submitters: Uncertain significance (2); Likely benign (3). Last evaluated 2026-04-09.

Conditions:
Inborn genetic diseases. Identifiers: MedGen C0950123, MeSH D030342.
ANKRD26-related disorder. Also called: ANKRD26-related condition.

Allele frequency attached by ClinVar (database versions not stated): gnomAD exomes 0.00004; ExAC 0.00010; ESP Exome Variant Server 0.00026; TOPMed 0.00031; gnomAD 0.00033; 1000 Genomes Project 30x 0.00062.
gnomAD v4.1: 110 of 1,595,078 alleles (0.0069%); highest among the groups gnomAD compares: African/African-American, 0.11%; no homozygotes.

Submissions (5):

PreventionGenetics, part of Exact Sciences
Classification: Likely benign for ANKRD26-related condition. Last evaluated: 2026-04-09. Review status: criteria provided, single submitter. Criteria: ACMG Guidelines, 2015. Collection method: clinical testing. Allele origin: germline.
Comment: This variant is classified as likely benign based on ACMG/AMP sequence variant interpretation guidelines (Richards et al. 2015 PMID: 25741868, with internal and published modifications).

Labcorp Genetics (formerly Invitae), Labcorp
Classification: Likely benign. Last evaluated: 2026-01-22. Review status: criteria provided, single submitter. Criteria: Invitae Variant Classification Sherloc (09022015). Collection method: clinical testing. Allele origin: germline.

Ambry Genetics
Classification: Uncertain significance for Inborn genetic diseases. Last evaluated: 2024-11-18. Review status: criteria provided, single submitter. Criteria: Ambry Variant Classification Scheme 2023. Collection method: clinical testing. Allele origin: germline.
Comment: The p.E1551K variant (also known as c.4651G>A), located in coding exon 31 of the ANKRD26 gene, results from a G to A substitution at nucleotide position 4651. The glutamic acid at codon 1551 is replaced by lysine, an amino acid with similar properties. This amino acid position is conserved. In addition, this alteration is predicted to be tolerated by in silico analysis. Based on the available evidence, the clinical significance of this variant remains unclear.

Blueprint Genetics
Classification: Likely benign. Last evaluated: 2023-09-13. Review status: criteria provided, single submitter. Criteria: ACMG Guidelines, 2015. Collection method: clinical testing. Allele origin: germline.

GeneDx
Classification: Uncertain significance. Last evaluated: 2023-08-08. Review status: criteria provided, single submitter. Criteria: GeneDx Variant Classification Process June 2021. Collection method: clinical testing. Allele origin: germline.
Comment: In silico analysis supports that this missense variant has a deleterious effect on protein structure/function; Has not been previously published as pathogenic or benign to our knowledge